The following is an entry in ClinVar:

NM_015021.3(ZNF292):c.824T>C (p.Leu275Ser)

Gene: ZNF292 (zinc finger protein 292; plus strand). Cytogenetic location: 6q14.3.
Variant type: single nucleotide variant.
Coding change: c.824T>C on transcript NM_015021.3 (MANE Select); coding-DNA position 824, T replaced by C.
Protein change: p.Leu275Ser; replaces leucine 275 with serine.
Molecular consequence: missense variant.
Genome position (GRCh38, 1-based): chr6:87,243,557, T>C. VCF-style: chr6-87243557-T-C. GRCh37 (hg19) VCF-style: chr6-87953275-T-C.
Other names: c.404T>C, p.Leu135Ser (NM_001351444.2); short protein forms L135S, L275S.
Identifiers: ClinVar variation 2662987 (VCV002662987.1), dbSNP rs2482208154, ClinGen allele CA364934198.

ClinVar aggregate classification (germline): Uncertain significance (1 of 4 stars; one submission).

Submission:

GeneDx
Classification: Uncertain significance. Last evaluated: 2023-04-17. Review status: criteria provided, single submitter. Criteria: GeneDx Variant Classification Process June 2021. Collection method: clinical testing. Allele origin: germline. Affected: yes.
Comment: Not observed at significant frequency in large population cohorts (gnomAD); In silico analysis supports that this missense variant has a deleterious effect on protein structure/function; Has not been previously published as pathogenic or benign to our knowledge